The following is an entry in ClinVar:

NM_001673.5(ASNS):c.494T>C (p.Val165Ala)

Genes: ASNS (asparagine synthetase (glutamine-hydrolyzing); minus strand), CZ1P-ASNS (CZ1P-ASNS readthrough; minus strand). Cytogenetic location: 7q21.3.
Variant type: single nucleotide variant.
Coding change: c.494T>C on transcript NM_001673.5 (MANE Select); coding-DNA position 494, T replaced by C.
Protein change: p.Val165Ala; replaces valine 165 with alanine.
Molecular consequence: missense variant. On other transcripts: non-coding transcript variant (1).
Genome position (GRCh38, 1-based): chr7:97,859,392, A>G on the plus strand (T>C on the coding strand, the complement: ASNS is on the minus strand). VCF-style: chr7-97859392-A-G. GRCh37 (hg19) VCF-style: chr7-97488704-A-G.
Other names: c.431T>C, p.Val144Ala (NM_001178075.2); c.245T>C, p.Val82Ala (NM_001178076.2, NM_001178077.1); c.494T>C, p.Val165Ala (NM_001352496.2, NM_133436.3, NM_183356.4); short protein forms V165A, V144A, V82A.
Identifiers: ClinVar variation 2141643 (VCV002141643.3), dbSNP rs748277276, ClinGen allele CA4354759.

ClinVar aggregate classification (germline): Uncertain significance. Review status: criteria provided, multiple submitters, no conflicts (2 of 4 stars). 2 submissions from 2 submitters: Uncertain significance (2). Last evaluated 2025-01-01.

Conditions:
Inborn genetic diseases. Identifiers: MedGen C0950123, MeSH D030342.

Allele frequency attached by ClinVar (database versions not stated): gnomAD 0.00001; gnomAD exomes 0.00001; ExAC 0.00002; TOPMed 0.00002.
gnomAD v4.1: 7 of 1,603,396 alleles (0.00044%); highest among the groups gnomAD compares: Admixed American, 0.0086%; no homozygotes.

Submissions (2):

Ambry Genetics
Classification: Uncertain significance for Inborn genetic diseases. Last evaluated: 2025-01-01. Review status: criteria provided, single submitter. Criteria: Ambry Variant Classification Scheme 2023. Collection method: clinical testing. Allele origin: germline.

Labcorp Genetics (formerly Invitae), Labcorp
Classification: Uncertain significance. Last evaluated: 2024-07-06. Review status: criteria provided, single submitter. Criteria: Invitae Variant Classification Sherloc (09022015). Collection method: clinical testing. Allele origin: germline.
Comment: This sequence change replaces valine, which is neutral and non-polar, with alanine, which is neutral and non-polar, at codon 165 of the ASNS protein (p.Val165Ala). This variant is present in population databases (rs748277276, gnomAD 0.01%). This variant has not been reported in the literature in individuals affected with ASNS-related conditions. ClinVar contains an entry for this variant (Variation ID: 2141643). Advanced modeling of protein sequence and biophysical properties (such as structural, functional, and spatial information, amino acid conservation, physicochemical variation, residue mobility, and thermodynamic stability) performed at Invitae indicates that this missense variant is not expected to disrupt ASNS protein function with a negative predictive value of 80%. In summary, the available evidence is currently insufficient to determine the role of this variant in disease. Therefore, it has been classified as a Variant of Uncertain Significance.